The following is an entry in ClinVar:

NM_022124.6(CDH23):c.9631_9633+9del

Gene: CDH23 (cadherin related 23; plus strand). Cytogenetic location: 10q22.1.
Variant type: Deletion.
Coding change: c.9631_9633+9del on transcript NM_022124.6 (MANE Select); coding-DNA position 9631 through 9 bases into the intron after coding-DNA position 9633, 12 bases deleted (AAGGTGAGCCTT).
Molecular consequence: splice donor variant.
Genome position (GRCh38, 1-based): chr10:71,812,888-71,812,899, AAGGTGAGCCTT deleted. VCF-style (leftmost placement, unchanged base first): chr10-71812887-CAAGGTGAGCCTT-C. GRCh37 (hg19) VCF-style: chr10-73572644-CAAGGTGAGCCTT-C.
Other names: c.2911_2913+9del (NM_001171933.1, NM_001171934.1); c.322_324+9del (NM_001171935.1, NM_001171936.1).
Identifiers: ClinVar variation 3601785 (VCV003601785.1).
Genomic context (GRCh38, chr10:71,812,887, plus strand): 5'-TGCCATCCAGGAGTATGACAACATTGCCAAGCTGGGCCAGATCATTCGTGAGGGGCCAAT[CAAGGTGAGCCTT>C]CCCTGCAGGCTCCGCGCCCAGTCCCTTGGCTGAGGTTGGACCCCACTCCAGAGAACACAG-3'

ClinVar aggregate classification (germline): Pathogenic (1 of 4 stars; one submission).

Conditions:
Autosomal recessive nonsyndromic hearing loss 12. Also called: DEAFNESS, AUTOSOMAL RECESSIVE 12. Identifiers: Orphanet 90636, MedGen C1832394, MONDO:0011067, OMIM 601386.

Submission:

Institute of Rare Diseases, West China Hospital, Sichuan University
Classification: Pathogenic for Autosomal recessive nonsyndromic hearing loss 12. Last evaluated: 2025-01-09. Review status: criteria provided, single submitter. Criteria: ClinGen HL ACMG Specifications v1. Collection method: research. Allele origin: germline. Affected: yes.
Comment: PVS1;PM3;PM2_Supporting